The following is an entry in ClinVar:

ClinVar aggregate classification (germline): Likely pathogenic (1 of 4 stars; one submission).

Conditions:
Glycogen storage disease type III (GSD3). Also called: FORBES DISEASE; Cori disease. Identifiers: Orphanet 366, MedGen C0017922, MONDO:0009291, OMIM 232400.

Submission:

Myriad Genetics, Inc.
Classification: Likely pathogenic for Glycogen storage disease type III. Last evaluated: 2021-12-29. Review status: criteria provided, single submitter. Criteria: Myriad Women's Health Autosomal Recessive and X-Linked Classification Criteria (2021). Collection method: clinical testing. Allele origin: unknown.
Comment: NM_000642.2(AGL):c.3450T>A(C1150*) is expected to be pathogenic in the context of glycogen storage disease type III. This variant is predicted to lead to an abnormal or absent protein product due to the creation of a premature termination codon in AGL, a gene where loss-of-function variants are known to be pathogenic. Please note: this variant was assessed in the context of healthy population screening.

NM_000642.3(AGL):c.3450T>A (p.Cys1150Ter)

Gene: AGL (amylo-alpha-1,6-glucosidase and 4-alpha-glucanotransferase; plus strand). Cytogenetic location: 1p21.2.
Variant type: single nucleotide variant.
Coding change: c.3450T>A on transcript NM_000642.3 (MANE Select); coding-DNA position 3450, T replaced by A.
Protein change: p.Cys1150Ter; replaces cysteine 1150 with a stop codon.
Molecular consequence: nonsense.
Genome position (GRCh38, 1-based): chr1:99,900,723, T>A. VCF-style: chr1-99900723-T-A. GRCh37 (hg19) VCF-style: chr1-100366279-T-A.
Other names: c.3450T>A, p.Cys1150Ter (NM_000028.3, NM_000643.3, NM_000644.3 and 1 more transcripts); c.3402T>A, p.Cys1134Ter (NM_000646.3); c.3429T>A, p.Cys1143Ter (NM_001425326.1); c.3249T>A, p.Cys1083Ter (NM_001425327.1); c.3246T>A, p.Cys1082Ter (NM_001425328.1); c.3111T>A, p.Cys1037Ter (NM_001425329.1); c.3072T>A, p.Cys1024Ter (NM_001425332.1); short protein forms C1134*, C1150*, C1024*, C1037*, C1082*, C1083*, C1143*.
Identifiers: ClinVar variation 1726638 (VCV001726638.2), dbSNP rs2523715235, ClinGen allele CA341331349.